The following is an entry in ClinVar:

ClinVar aggregate classification (germline): Benign/Likely benign. Review status: criteria provided, multiple submitters, no conflicts (2 of 4 stars). 2 submissions from 2 submitters: Benign (1); Likely benign (1). Last evaluated 2026-01-01.

Allele frequency attached by ClinVar (database versions not stated): ExAC 0.00046; gnomAD exomes 0.00051 and 0.00060; gnomAD 0.00054 and 0.00056; 1000 Genomes Project 0.00060; 1000 Genomes Project 30x 0.00062; ESP Exome Variant Server 0.00062; TOPMed 0.00071.
gnomAD v4.1: 967 of 1,606,214 alleles (0.06%); highest among the groups gnomAD compares: Admixed American, 0.1%; 1 homozygote.

Submissions (2):

CeGaT Center for Human Genetics Tuebingen
Classification: Likely benign. Last evaluated: 2026-01-01. Review status: criteria provided, single submitter. Criteria: CeGaT Center For Human Genetics Tuebingen Variant Classification Criteria Version 2. Collection method: clinical testing. Allele origin: germline. Affected: yes. Observed: 2 variant alleles.
Comment: GRIA2: BP4, BP7

Labcorp Genetics (formerly Invitae), Labcorp
Classification: Benign. Last evaluated: 2018-12-20. Review status: criteria provided, single submitter. Criteria: Invitae Variant Classification Sherloc (09022015). Collection method: clinical testing. Allele origin: germline.

NM_001083619.3(GRIA2):c.789G>A (p.Val263=)

Gene: GRIA2 (glutamate ionotropic receptor AMPA type subunit 2; plus strand). Cytogenetic location: 4q32.1.
Variant type: single nucleotide variant.
Coding change: c.789G>A on transcript NM_001083619.3 (MANE Select); coding-DNA position 789, G replaced by A.
Protein change: p.Val263=; no amino-acid change (valine 263 retained).
Molecular consequence: synonymous variant.
Genome position (GRCh38, 1-based): chr4:157,321,506, G>A. VCF-style: chr4-157321506-G-A. GRCh37 (hg19) VCF-style: chr4-158242658-G-A.
Other names: c.789G>A, p.Val263= (NM_000826.6); c.648G>A, p.Val216= (NM_001083620.3, NM_001379000.3, NM_001379001.3).
Identifiers: ClinVar variation 756529 (VCV000756529.9), dbSNP rs34909207, ClinGen allele CA3120252.